The following is an entry in ClinVar:

NM_000320.3(QDPR):c.560C>A (p.Thr187Asn)

Gene: QDPR (quinoid dihydropteridine reductase; minus strand). Cytogenetic location: 4p15.32.
Variant type: single nucleotide variant.
Coding change: c.560C>A on transcript NM_000320.3 (MANE Select); coding-DNA position 560, C replaced by A.
Protein change: p.Thr187Asn; replaces threonine 187 with asparagine.
Molecular consequence: missense variant. On other transcripts: non-coding transcript variant (1).
Genome position (GRCh38, 1-based): chr4:17,490,731, G>T on the plus strand (C>A on the coding strand, the complement: QDPR is on the minus strand). VCF-style: chr4-17490731-G-T. GRCh37 (hg19) VCF-style: chr4-17492354-G-T.
Other names: c.467C>A, p.Thr156Asn (NM_001306140.2); short protein forms T156N, T187N.
Identifiers: ClinVar variation 1378300 (VCV001378300.4), dbSNP rs2108986735, ClinGen allele CA356444389.

ClinVar aggregate classification (germline): Uncertain significance (1 of 4 stars; one submission).

Conditions:
Dihydropteridine reductase deficiency (HPABH4C). Also called: DHPR DEFICIENCY; BH4-Deficient Hyperphenylalaninemia C; Hyperphenylalaninemia due to dihydropteridine reductase deficiency; Hyperphenylalaninemia, BH-4-deficient, C; Phenylketonuria type 2; HYPERPHENYLALANINEMIA, TETRAHYDROBIOPTERIN-DEFICIENT, DUE TO DHPR DEFICIENCY. Identifiers: Orphanet 226, Orphanet 238583, MedGen C0268465, MONDO:0009862, OMIM 261630.

Submission:

Labcorp Genetics (formerly Invitae), Labcorp
Classification: Uncertain significance for Dihydropteridine reductase deficiency. Last evaluated: 2023-10-05. Review status: criteria provided, single submitter. Criteria: Invitae Variant Classification Sherloc (09022015). Collection method: clinical testing. Allele origin: germline.
Comment: This sequence change replaces threonine, which is neutral and polar, with asparagine, which is neutral and polar, at codon 187 of the QDPR protein (p.Thr187Asn). This variant is not present in population databases (gnomAD no frequency). This variant has not been reported in the literature in individuals affected with QDPR-related conditions. ClinVar contains an entry for this variant (Variation ID: 1378300). An algorithm developed to predict the effect of missense changes on protein structure and function (PolyPhen-2) suggests that this variant is likely to be disruptive. In summary, the available evidence is currently insufficient to determine the role of this variant in disease. Therefore, it has been classified as a Variant of Uncertain Significance.